The following is an entry in ClinVar:

NM_000143.4(FH):c.790G>C (p.Ala264Pro)

Gene: FH (fumarate hydratase; minus strand). Cytogenetic location: 1q43.
Variant type: single nucleotide variant.
Coding change: c.790G>C on transcript NM_000143.4 (MANE Select); coding-DNA position 790, G replaced by C.
Protein change: p.Ala264Pro; replaces alanine 264 with proline.
Molecular consequence: missense variant.
Genome position (GRCh38, 1-based): chr1:241,506,117, C>G on the plus strand (G>C on the coding strand, the complement: FH is on the minus strand). VCF-style: chr1-241506117-C-G. GRCh37 (hg19) VCF-style: chr1-241669417-C-G.
Other names: short protein forms A264P.
Identifiers: ClinVar variation 1939257 (VCV001939257.5), dbSNP rs2527322999, ClinGen allele CA345439016.

ClinVar aggregate classification (germline): Uncertain significance (1 of 4 stars; one submission).

Submission:

Labcorp Genetics (formerly Invitae), Labcorp
Classification: Uncertain significance. Last evaluated: 2022-08-06. Review status: criteria provided, single submitter. Criteria: Invitae Variant Classification Sherloc (09022015). Collection method: clinical testing. Allele origin: germline.
Comment: This variant has not been reported in the literature in individuals affected with FH-related conditions. This variant is not present in population databases (gnomAD no frequency). This sequence change replaces alanine, which is neutral and non-polar, with proline, which is neutral and non-polar, at codon 264 of the FH protein (p.Ala264Pro). In summary, the available evidence is currently insufficient to determine the role of this variant in disease. Therefore, it has been classified as a Variant of Uncertain Significance. Advanced modeling of protein sequence and biophysical properties (such as structural, functional, and spatial information, amino acid conservation, physicochemical variation, residue mobility, and thermodynamic stability) performed at Invitae indicates that this missense variant is expected to disrupt FH protein function.